The following is an entry in ClinVar:

NM_024915.4(GRHL2):c.1690A>T (p.Met564Leu)

Gene: GRHL2 (grainyhead like transcription factor 2; plus strand). Cytogenetic location: 8q22.3.
Variant type: single nucleotide variant.
Coding change: c.1690A>T on transcript NM_024915.4 (MANE Select); coding-DNA position 1690, A replaced by T.
Protein change: p.Met564Leu; replaces methionine 564 with leucine.
Molecular consequence: missense variant.
Genome position (GRCh38, 1-based): chr8:101,649,491, A>T. VCF-style: chr8-101649491-A-T. GRCh37 (hg19) VCF-style: chr8-102661719-A-T.
Other names: c.1642A>T, p.Met548Leu (NM_001330593.2); short protein forms M564L, M548L.
Identifiers: ClinVar variation 163650 (VCV000163650.11), dbSNP rs200592171, ClinGen allele CA176268.

ClinVar aggregate classification (germline): Uncertain significance. Review status: criteria provided, multiple submitters, no conflicts (2 of 4 stars). 3 submissions from 3 submitters: Uncertain significance (3). Last evaluated 2025-07-10.

Allele frequency attached by ClinVar (database versions not stated): ExAC 0.00009; gnomAD exomes 0.00010 and 0.00016; TOPMed 0.00010; gnomAD 0.00011 and 0.00012; 1000 Genomes Project 30x 0.00016; 1000 Genomes Project 0.00020; ESP Exome Variant Server 0.00023.
gnomAD v4.1: 249 of 1,613,074 alleles (0.015%); highest among the groups gnomAD compares: Non-Finnish European, 0.02%; no homozygotes.

Submissions (3):

Labcorp Genetics (formerly Invitae), Labcorp
Classification: Uncertain significance. Last evaluated: 2025-07-10. Review status: criteria provided, single submitter. Criteria: Invitae Variant Classification Sherloc (09022015). Collection method: clinical testing. Allele origin: germline.
Comment: This sequence change replaces methionine, which is neutral and non-polar, with leucine, which is neutral and non-polar, at codon 564 of the GRHL2 protein (p.Met564Leu). This variant is present in population databases (rs200592171, gnomAD 0.02%). This variant has not been reported in the literature in individuals affected with GRHL2-related conditions. ClinVar contains an entry for this variant (Variation ID: 163650). Invitae Evidence Modeling of protein sequence and biophysical properties (such as structural, functional, and spatial information, amino acid conservation, physicochemical variation, residue mobility, and thermodynamic stability) indicates that this missense variant is not expected to disrupt GRHL2 protein function with a negative predictive value of 80%. In summary, the available evidence is currently insufficient to determine the role of this variant in disease. Therefore, it has been classified as a Variant of Uncertain Significance.

GeneDx
Classification: Uncertain significance. Last evaluated: 2024-07-22. Review status: criteria provided, single submitter. Criteria: GeneDx Variant Classification Process June 2021. Collection method: clinical testing. Allele origin: germline. Affected: yes.
Comment: In silico analysis indicates that this missense variant does not alter protein structure/function; Has not been previously published as pathogenic or benign to our knowledge

Laboratory for Molecular Medicine, Mass General Brigham Personalized Medicine
Classification: Uncertain significance. Last evaluated: 2013-06-11. Review status: criteria provided, single submitter. Criteria: LMM Criteria. Collection method: clinical testing. Allele origin: germline. Observed: 1 variant allele.
Comment: Variant classified as Uncertain Significance - Favor Benign. The Met564Leu varia nt in GRHL2 has not been reported in individuals with hearing loss, but it has b een identified in 0.03% (3/8600) of European American chromosomes from a broad p opulation by the NHLBI Exome Sequencing Project (S/; dbSNP rs200592171). Although this variant has been seen in the general popul ation, its frequency is not high enough to rule out a pathogenic role. Computati onal analyses (biochemical amino acid properties, conservation, AlignGVGD, PolyP hen2, and SIFT) suggest that the Meth564Leu variant may not impact the protein, though these computational programs are not predictive enough to rule out pathog enicity. In summary, the clinical significance of this variant cannot be determi ned; however based upon its presence in the population and the computational pre dictions, we lean towards a more likely benign role.